The following is an entry in ClinVar:

NM_001105206.3(LAMA4):c.4235T>C (p.Leu1412Pro)

Gene: LAMA4 (laminin subunit alpha 4; minus strand). Cytogenetic location: 6q21.
Variant type: single nucleotide variant.
Coding change: c.4235T>C on transcript NM_001105206.3 (MANE Select); coding-DNA position 4235, T replaced by C.
Protein change: p.Leu1412Pro; replaces leucine 1412 with proline.
Molecular consequence: missense variant.
Genome position (GRCh38, 1-based): chr6:112,128,974, A>G on the plus strand (T>C on the coding strand, the complement: LAMA4 is on the minus strand). VCF-style: chr6-112128974-A-G. GRCh37 (hg19) VCF-style: chr6-112450176-A-G.
Other names: c.4214T>C (LRG_433t2); c.4214T>C, p.Leu1405Pro (NM_001105207.3, NM_002290.5); short protein forms L1405P, L1412P.
Identifiers: ClinVar variation 264264 (VCV000264264.14), dbSNP rs376369192, ClinGen allele CA3965028.

ClinVar aggregate classification (germline): Uncertain significance. Review status: criteria provided, multiple submitters, no conflicts (2 of 4 stars). 3 submissions from 3 submitters: Uncertain significance (3). Last evaluated 2025-06-28.

Conditions:
Dilated cardiomyopathy 1JJ (CMD1JJ). Identifiers: Orphanet 154, MedGen C3808935, MONDO:0014095, OMIM 615235.
Cardiovascular phenotype. Identifiers: MedGen CN230736.

Allele frequency attached by ClinVar (database versions not stated): ExAC 0.00001; gnomAD exomes 0.00001 and 0.00002; gnomAD 0.00003; TOPMed 0.00003; ESP Exome Variant Server 0.00008.
gnomAD v4.1: 25 of 1,613,142 alleles (0.0015%); highest among the groups gnomAD compares: Non-Finnish European, 0.002%; no homozygotes.

Submissions (3):

Ambry Genetics
Classification: Uncertain significance for Cardiovascular phenotype. Last evaluated: 2025-06-28. Review status: criteria provided, single submitter. Criteria: Ambry Variant Classification Scheme 2023. Collection method: clinical testing. Allele origin: germline.
Comment: The p.L1405P variant (also known as c.4214T>C), located in coding exon 30 of the LAMA4 gene, results from a T to C substitution at nucleotide position 4214. The leucine at codon 1405 is replaced by proline, an amino acid with similar properties. This amino acid position is not well conserved in available vertebrate species. In addition, this alteration is predicted to be tolerated by in silico analysis. The evidence for this gene-disease relationship is limited; therefore, the clinical significance of this alteration is unclear.

Labcorp Genetics (formerly Invitae), Labcorp
Classification: Uncertain significance for Dilated cardiomyopathy 1JJ. Last evaluated: 2025-05-27. Review status: criteria provided, single submitter. Criteria: Invitae Variant Classification Sherloc (09022015). Collection method: clinical testing. Allele origin: germline.
Comment: This sequence change replaces leucine, which is neutral and non-polar, with proline, which is neutral and non-polar, at codon 1405 of the LAMA4 protein (p.Leu1405Pro). This variant is present in population databases (rs376369192, gnomAD 0.005%). This variant has not been reported in the literature in individuals affected with LAMA4-related conditions. ClinVar contains an entry for this variant (Variation ID: 264264). Invitae Evidence Modeling of protein sequence and biophysical properties (such as structural, functional, and spatial information, amino acid conservation, physicochemical variation, residue mobility, and thermodynamic stability) indicates that this missense variant is not expected to disrupt LAMA4 protein function with a negative predictive value of 80%. In summary, the available evidence is currently insufficient to determine the role of this variant in disease. Therefore, it has been classified as a Variant of Uncertain Significance.

Fulgent Genetics
Classification: Uncertain significance for Dilated cardiomyopathy 1JJ. Last evaluated: 2018-10-31. Review status: criteria provided, single submitter. Criteria: ACMG Guidelines, 2015. Collection method: clinical testing. Allele origin: unknown.